The following is an entry in ClinVar:

ClinVar aggregate classification (germline): Uncertain significance (1 of 4 stars; one submission).

Conditions:
Charcot-Marie-Tooth disease type 4. Also called: Charcot-Marie-Tooth, Type 4; Charcot-Marie-Tooth disease, type IV. Identifiers: Orphanet 64749, MedGen C4082197, MONDO:0018995.

Allele frequency attached by ClinVar (database versions not stated): gnomAD exomes below 0.00001; TOPMed below 0.00001.
gnomAD v4.1: 3 of 1,614,166 alleles (0.00019%); highest among the groups gnomAD compares: Non-Finnish European, 0.00025%; no homozygotes.

Submission:

Labcorp Genetics (formerly Invitae), Labcorp
Classification: Uncertain significance for Charcot-Marie-Tooth disease type 4. Last evaluated: 2024-09-06. Review status: criteria provided, single submitter. Criteria: Invitae Variant Classification Sherloc (09022015). Collection method: clinical testing. Allele origin: germline.
Comment: This sequence change replaces glutamic acid, which is acidic and polar, with glutamine, which is neutral and polar, at codon 566 of the PRX protein (p.Glu566Gln). This variant is not present in population databases (gnomAD no frequency). This variant has not been reported in the literature in individuals affected with PRX-related conditions. ClinVar contains an entry for this variant (Variation ID: 1463764). An algorithm developed to predict the effect of missense changes on protein structure and function (PolyPhen-2) suggests that this variant is likely to be tolerated. In summary, the available evidence is currently insufficient to determine the role of this variant in disease. Therefore, it has been classified as a Variant of Uncertain Significance.

NM_181882.3(PRX):c.1696G>C (p.Glu566Gln)

Gene: PRX (periaxin; minus strand). Cytogenetic location: 19q13.2.
Variant type: single nucleotide variant.
Coding change: c.1696G>C on transcript NM_181882.3 (MANE Select); coding-DNA position 1696, G replaced by C.
Protein change: p.Glu566Gln; replaces glutamic acid 566 with glutamine.
Molecular consequence: missense variant. On other transcripts: 3 prime UTR variant (1).
Genome position (GRCh38, 1-based): chr19:40,396,656, C>G on the plus strand (G>C on the coding strand, the complement: PRX is on the minus strand). VCF-style: chr19-40396656-C-G. GRCh37 (hg19) VCF-style: chr19-40902563-C-G.
Other names: c.*1901G>C (NM_020956.2); short protein forms E566Q.
Identifiers: ClinVar variation 1463764 (VCV001463764.7), dbSNP rs2079440933, ClinGen allele CA405897860.